The following is an entry in ClinVar:

ClinVar aggregate classification (germline): Uncertain significance (1 of 4 stars; one submission).

Conditions:
Neuroferritinopathy (NBIA3). Also called: NEURODEGENERATION WITH BRAIN IRON ACCUMULATION 3; BASAL GANGLIA DISEASE, ADULT-ONSET. Identifiers: Orphanet 157846, MedGen C1853578, MONDO:0011638, OMIM 606159.
Hereditary hyperferritinemia with congenital cataracts. Also called: Hereditary hyperferritinemia cataract syndrome; Bonneau-Beaumont syndrome; HYPERFERRITINEMIA WITH OR WITHOUT CATARACT. Identifiers: Orphanet 163, MedGen C1833213, MONDO:0010952, OMIM 600886.

Allele frequency attached by ClinVar (database versions not stated): gnomAD exomes below 0.00001; TOPMed 0.00002.

Submission:

Labcorp Genetics (formerly Invitae), Labcorp
Classification: Uncertain significance for Neuroferritinopathy; Hereditary hyperferritinemia with congenital cataracts. Last evaluated: 2021-06-24. Review status: criteria provided, single submitter. Criteria: Invitae Variant Classification Sherloc (09022015). Collection method: clinical testing. Allele origin: germline.
Comment: This variant has not been reported in the literature in individuals with FTL-related conditions. In summary, the available evidence is currently insufficient to determine the role of this variant in disease. Therefore, it has been classified as a Variant of Uncertain Significance. Algorithms developed to predict the effect of missense changes on protein structure and function are either unavailable or do not agree on the potential impact of this missense change (SIFT: "Deleterious"; PolyPhen-2: "Probably Damaging"; Align-GVGD: "Class C15"). This variant is not present in population databases (ExAC no frequency). This sequence change replaces glycine with cysteine at codon 47 of the FTL protein (p.Gly47Cys). The glycine residue is moderately conserved and there is a large physicochemical difference between glycine and cysteine.

NM_000146.4(FTL):c.139G>T (p.Gly47Cys)

Gene: FTL (ferritin light chain; plus strand). Cytogenetic location: 19q13.33.
Variant type: single nucleotide variant.
Coding change: c.139G>T on transcript NM_000146.4 (MANE Select); coding-DNA position 139, G replaced by T.
Protein change: p.Gly47Cys; replaces glycine 47 with cysteine.
Molecular consequence: missense variant.
Genome position (GRCh38, 1-based): chr19:48,965,806, G>T. VCF-style: chr19-48965806-G-T. GRCh37 (hg19) VCF-style: chr19-49469063-G-T.
Other names: short protein forms G47C.
Identifiers: ClinVar variation 1345550 (VCV001345550.8), dbSNP rs930186818, ClinGen allele CA309375743.